The following is an entry in ClinVar:

ClinVar aggregate classification (germline): Uncertain significance (1 of 4 stars; one submission).

Conditions:
Cardiovascular phenotype. Identifiers: MedGen CN230736.

gnomAD v4.1: 2 of 1,519,654 alleles (0.00013%); highest among the groups gnomAD compares: Middle Eastern, 0.018%; no homozygotes.

Submission:

Ambry Genetics
Classification: Uncertain significance for Cardiovascular phenotype. Last evaluated: 2025-05-14. Review status: criteria provided, single submitter. Criteria: Ambry Variant Classification Scheme 2023. Collection method: clinical testing. Allele origin: germline.
Comment: The p.Q29L variant (also known as c.86A>T), located in coding exon 1 of the LOX gene, results from an A to T substitution at nucleotide position 86. The glutamine at codon 29 is replaced by leucine, an amino acid with dissimilar properties. This amino acid position is conserved. In addition, this alteration is predicted to be tolerated by in silico analysis. Based on the available evidence, the clinical significance of this variant remains unclear.

NM_002317.7(LOX):c.86A>T (p.Gln29Leu)

Genes: LOX (lysyl oxidase; minus strand), SRFBP1 (serum response factor binding protein 1; plus strand). Cytogenetic location: 5q23.1.
Variant type: single nucleotide variant.
Coding change: c.86A>T on transcript NM_002317.7 (MANE Select); coding-DNA position 86, A replaced by T.
Protein change: p.Gln29Leu; replaces glutamine 29 with leucine.
Molecular consequence: missense variant.
Genome position (GRCh38, 1-based): chr5:122,077,900, T>A on the plus strand (A>T on the coding strand, the complement: LOX is on the minus strand). VCF-style: chr5-122077900-T-A. GRCh37 (hg19) VCF-style: chr5-121413595-T-A.
Other names: short protein forms Q29L.
Identifiers: ClinVar variation 4048015 (VCV004048015.1).